The following is an entry in ClinVar:

NM_032444.4(SLX4):c.2749G>A (p.Ala917Thr)

Gene: SLX4 (SLX4 structure-specific endonuclease subunit; minus strand). Cytogenetic location: 16p13.3.
Variant type: single nucleotide variant.
Coding change: c.2749G>A on transcript NM_032444.4 (MANE Select); coding-DNA position 2749, G replaced by A.
Protein change: p.Ala917Thr; replaces alanine 917 with threonine.
Molecular consequence: missense variant.
Genome position (GRCh38, 1-based): chr16:3,590,889, C>T on the plus strand (G>A on the coding strand, the complement: SLX4 is on the minus strand). VCF-style: chr16-3590889-C-T. GRCh37 (hg19) VCF-style: chr16-3640890-C-T.
Other names: short protein forms A917T.
Identifiers: ClinVar variation 934289 (VCV000934289.11), dbSNP rs148428054, ClinGen allele CA7866082.
Genomic context (GRCh38, chr16:3,590,889, plus strand): 5'-CTGAGTGCTGGCCCTGGGGTGGCGGGAGAGCGCACTGTCCCATCTTCTCCCAGGTGGTGG[C>T]GGCCTCATCTCTTCCTGGCTCCAACGGCTCCATCTCCTCCACCTTGTCCCACTGTTTCTG-3'
Protein context (NP_115820.2, residues 907-927): EPLEPGRDEA[Ala917Thr]TTWEKMGQCA

ClinVar aggregate classification (germline): Conflicting classifications of pathogenicity. Review status: criteria provided, conflicting classifications (1 of 4 stars). 3 submissions from 3 submitters: Uncertain significance (2); Likely benign (1). Last evaluated 2024-01-20.

Conditions:
Inborn genetic diseases. Identifiers: MedGen C0950123, MeSH D030342.
Fanconi anemia complementation group P. Also called: SLX4-Related Fanconi Anemia. Identifiers: Orphanet 84, MedGen C3469542, MONDO:0013499, OMIM 613951.
Fanconi anemia (FA). Also called: Fanconi's anemia. Identifiers: Orphanet 84, MedGen C0015625, MeSH D005199, MONDO:0019391.

Allele frequency attached by ClinVar (database versions not stated): gnomAD exomes 0.00002; ExAC 0.00004; gnomAD 0.00005 and 0.00006; TOPMed 0.00007; ESP Exome Variant Server 0.00031.

Submissions (3):

Fulgent Genetics
Classification: Uncertain significance for Fanconi anemia complementation group P. Last evaluated: 2024-01-20. Review status: criteria provided, single submitter. Criteria: ACMG Guidelines, 2015. Collection method: clinical testing. Allele origin: germline.

Ambry Genetics
Classification: Likely benign for Inborn genetic diseases. Last evaluated: 2023-12-22. Review status: criteria provided, single submitter. Criteria: Ambry Variant Classification Scheme 2023. Collection method: clinical testing. Allele origin: germline.

Labcorp Genetics (formerly Invitae), Labcorp
Classification: Uncertain significance for Fanconi anemia. Last evaluated: 2022-10-13. Review status: criteria provided, single submitter. Criteria: Invitae Variant Classification Sherloc (09022015). Collection method: clinical testing. Allele origin: germline.
Comment: In summary, the available evidence is currently insufficient to determine the role of this variant in disease. Therefore, it has been classified as a Variant of Uncertain Significance. Algorithms developed to predict the effect of missense changes on protein structure and function output the following: SIFT: "Tolerated"; PolyPhen-2: "Benign"; Align-GVGD: "Class C0". The threonine amino acid residue is found in multiple mammalian species, which suggests that this missense change does not adversely affect protein function. ClinVar contains an entry for this variant (Variation ID: 934289). This variant has not been reported in the literature in individuals affected with SLX4-related conditions. This variant is present in population databases (rs148428054, gnomAD 0.008%). This sequence change replaces alanine, which is neutral and non-polar, with threonine, which is neutral and polar, at codon 917 of the SLX4 protein (p.Ala917Thr).